The following is an entry in ClinVar:

NM_015559.3(SETBP1):c.1158C>G (p.Asn386Lys)

Gene: SETBP1 (SET binding protein 1; plus strand). Cytogenetic location: 18q12.3.
Variant type: single nucleotide variant.
Coding change: c.1158C>G on transcript NM_015559.3 (MANE Select); coding-DNA position 1158, C replaced by G.
Protein change: p.Asn386Lys; replaces asparagine 386 with lysine.
Molecular consequence: missense variant.
Genome position (GRCh38, 1-based): chr18:44,950,498, C>G. VCF-style: chr18-44950498-C-G. GRCh37 (hg19) VCF-style: chr18-42530463-C-G.
Other names: c.1158C>G, p.Asn386Lys (NM_001379141.1, NM_001379142.1, NM_001410862.1); short protein forms N386K.
Identifiers: ClinVar variation 3605302 (VCV003605302.2).

ClinVar aggregate classification (germline): Uncertain significance (1 of 4 stars; one submission).

gnomAD v4.1: 1 of 1,614,110 alleles (0.000062%); highest among the groups gnomAD compares: Non-Finnish European, 0.000085%; no homozygotes.

Submission:

Labcorp Genetics (formerly Invitae), Labcorp
Classification: Uncertain significance. Last evaluated: 2025-05-22. Review status: criteria provided, single submitter. Criteria: Invitae Variant Classification Sherloc (09022015). Collection method: clinical testing. Allele origin: germline.
Comment: This sequence change replaces asparagine, which is neutral and polar, with lysine, which is basic and polar, at codon 386 of the SETBP1 protein (p.Asn386Lys). This variant is not present in population databases (gnomAD no frequency). This variant has not been reported in the literature in individuals affected with SETBP1-related conditions. ClinVar contains an entry for this variant (Variation ID: 3605302). Invitae Evidence Modeling of protein sequence and biophysical properties (such as structural, functional, and spatial information, amino acid conservation, physicochemical variation, residue mobility, and thermodynamic stability) indicates that this missense variant is not expected to disrupt SETBP1 protein function with a negative predictive value of 80%. In summary, the available evidence is currently insufficient to determine the role of this variant in disease. Therefore, it has been classified as a Variant of Uncertain Significance.